The following is an entry in ClinVar:

ClinVar aggregate classification (germline): Uncertain significance (1 of 4 stars; one submission).

Submission:

Dasa
Classification: Uncertain significance. Last evaluated: 2026-02-26. Review status: criteria provided, single submitter. Criteria: DASA Assertion Criteria. Collection method: clinical testing. Allele origin: germline.
Comment: NM_003400.4(XPO1):c.1142A>G (p.Tyr381Cys) is a missense variant that results in the substitution of tyrosine with cysteine. Published studies describe this variant in association with related phenotype (PMID: 40819229). Also, this variant is absent from population databases. The currently available literature and clinical evidence are not sufficient to establish a definitive association between this variant and the reported condition. Therefore, this variant is classified as a variant of uncertain significance.

Literature cited by the submitters: PubMed 40819229.

NM_003400.4(XPO1):c.1142A>G (p.Tyr381Cys)

Gene: XPO1 (exportin 1; minus strand). Cytogenetic location: 2p15.
Variant type: single nucleotide variant.
Coding change: c.1142A>G on transcript NM_003400.4 (MANE Select); coding-DNA position 1142, A replaced by G.
Protein change: p.Tyr381Cys; replaces tyrosine 381 with cysteine.
Molecular consequence: missense variant.
Genome position (GRCh38, 1-based): chr2:61,493,997, T>C on the plus strand (A>G on the coding strand, the complement: XPO1 is on the minus strand). VCF-style: chr2-61493997-T-C. GRCh37 (hg19) VCF-style: chr2-61721132-T-C.
Other names: c.1142A>G, p.Tyr381Cys (NM_001410799.1); short protein forms Y381C.
Identifiers: ClinVar variation 4885371 (VCV004885371.2).